The following is an entry in ClinVar:

ClinVar aggregate classification (germline): Likely benign. Review status: criteria provided, multiple submitters, no conflicts (2 of 4 stars). 3 submissions from 3 submitters: Likely benign (3). Last evaluated 2024-09-01.

Conditions:
Early-infantile DEE. Also called: Early infantile epileptic encephalopathy; Early infantile epileptic encephalopathy with suppression bursts; Ohtahara syndrome. Identifiers: Orphanet 1934, MedGen C0393706, MONDO:0800491.

Allele frequency attached by ClinVar (database versions not stated): gnomAD 0.00001; TOPMed 0.00002; ExAC 0.00004; gnomAD exomes 0.00004.
gnomAD v4.1: 56 of 1,614,070 alleles (0.0035%); highest among the groups gnomAD compares: Non-Finnish European, 0.0046%; no homozygotes.

Submissions (3):

CeGaT Center for Human Genetics Tuebingen
Classification: Likely benign. Last evaluated: 2024-09-01. Review status: criteria provided, single submitter. Criteria: CeGaT Center For Human Genetics Tuebingen Variant Classification Criteria Version 2. Collection method: clinical testing. Allele origin: germline. Affected: yes. Observed: 1 variant allele.
Comment: ST3GAL3: BP4, BP7

Labcorp Genetics (formerly Invitae), Labcorp
Classification: Likely benign for Early-infantile DEE. Last evaluated: 2024-06-15. Review status: criteria provided, single submitter. Criteria: Invitae Variant Classification Sherloc (09022015). Collection method: clinical testing. Allele origin: germline.

Blueprint Genetics
Classification: Likely benign. Last evaluated: 2024-04-16. Review status: criteria provided, single submitter. Criteria: ACMG Guidelines, 2015. Collection method: clinical testing. Allele origin: germline.

NM_006279.5(ST3GAL3):c.552G>A (p.Val184=)

Gene: ST3GAL3 (ST3 beta-galactoside alpha-2,3-sialyltransferase 3; plus strand). Cytogenetic location: 1p34.1.
Variant type: single nucleotide variant.
Coding change: c.552G>A on transcript NM_006279.5 (MANE Select); coding-DNA position 552, G replaced by A.
Protein change: p.Val184=; no amino-acid change (valine 184 retained).
Molecular consequence: synonymous variant. On other transcripts: non-coding transcript variant (7), intron variant (4).
Genome position (GRCh38, 1-based): chr1:43,899,258, G>A. VCF-style: chr1-43899258-G-A. GRCh37 (hg19) VCF-style: chr1-44364930-G-A.
Other names: c.552G>A, p.Val184= (NM_001270459.2, NM_001350620.2, NM_174966.4); c.459G>A, p.Val153= (NM_001270460.2); c.504G>A, p.Val168= (NM_001270461.3, NM_001270464.3, NM_001410781.1 and 1 more transcripts); c.411G>A, p.Val137= (NM_001270462.3); c.549G>A, p.Val183= (NM_001270463.3, NM_001270465.3); c.597G>A, p.Val199= (NM_001350619.2, NM_174964.4); c.273G>A, p.Val91= (NM_001350621.2); c.714G>A, p.Val238= (NM_001363573.2, NM_174968.5); and 6 more.
Identifiers: ClinVar variation 2151481 (VCV002151481.18), dbSNP rs772408974, ClinGen allele CA814734.